The following is an entry in ClinVar:

NM_031407.7(HUWE1):c.5830G>C (p.Glu1944Gln)

Gene: HUWE1 (HECT, UBA and WWE domain containing E3 ubiquitin protein ligase 1; minus strand). Cytogenetic location: Xp11.22.
Variant type: single nucleotide variant.
Coding change: c.5830G>C on transcript NM_031407.7 (MANE Select); coding-DNA position 5830, G replaced by C.
Protein change: p.Glu1944Gln; replaces glutamic acid 1944 with glutamine.
Molecular consequence: missense variant.
Genome position (GRCh38, 1-based): chrX:53,576,954, C>G on the plus strand (G>C on the coding strand, the complement: HUWE1 is on the minus strand). VCF-style: chrX-53576954-C-G. GRCh37 (hg19) VCF-style: chrX-53603914-C-G.
Other names: c.5830G>C, p.Glu1944Gln (NM_001441048.1, NM_001441049.1, NM_001441051.1 and 6 more transcripts); c.5851G>C, p.Glu1951Gln (NM_001441050.1, NM_001441055.1); short protein forms E1944Q, E1951Q.
Identifiers: ClinVar variation 4527409 (VCV004527409.5).

ClinVar aggregate classification (germline): Uncertain significance. Review status: criteria provided, multiple submitters, no conflicts (2 of 4 stars). 2 submissions from 2 submitters: Uncertain significance (2). Last evaluated 2026-01-01.

gnomAD v4.1: 5 of 1,208,427 alleles (0.00041%); highest among the groups gnomAD compares: Non-Finnish European, 0.00056%; no homozygotes.

Submissions (2):

CeGaT Center for Human Genetics Tuebingen
Classification: Uncertain significance. Last evaluated: 2026-01-01. Review status: criteria provided, single submitter. Criteria: CeGaT Center For Human Genetics Tuebingen Variant Classification Criteria Version 2. Collection method: clinical testing. Allele origin: germline. Affected: yes. Observed: 1 variant allele.

GeneDx
Classification: Uncertain significance. Last evaluated: 2025-04-24. Review status: criteria provided, single submitter. Criteria: GeneDx Variant Classification Process June 2021. Collection method: clinical testing. Allele origin: germline. Affected: yes.
Comment: Not observed at significant frequency in large population cohorts (gnomAD); In silico analysis indicates that this missense variant does not alter protein structure/function; Has not been previously published as pathogenic or benign to our knowledge